The following is an entry in ClinVar:

ClinVar aggregate classification (germline): Pathogenic/Likely pathogenic. Review status: criteria provided, multiple submitters, no conflicts (2 of 4 stars). 2 submissions from 2 submitters: Pathogenic (1); Likely pathogenic (1). Last evaluated 2023-08-25.

Conditions:
Intellectual developmental disorder, X-linked 99. Also called: Intellectual disability, X-linked 99. Identifiers: Orphanet 777, MedGen C3806746, MONDO:0010487, OMIM 300919.

Submissions (2):

GeneDx
Classification: Pathogenic. Last evaluated: 2023-08-25. Review status: criteria provided, single submitter. Criteria: GeneDx Variant Classification Process June 2021. Collection method: clinical testing. Allele origin: germline. Affected: yes.
Comment: Not observed at significant frequency in large population cohorts (gnomAD); In silico analysis supports that this missense variant has a deleterious effect on protein structure/function; This variant is associated with the following publications: (PMID: 31443933, 27535533, 34738299)

Johns Hopkins Genomics, Johns Hopkins University
Classification: Likely pathogenic for Intellectual developmental disorder, X-linked 99. Last evaluated: 2021-09-24. Review status: criteria provided, single submitter. Criteria: ACMG Guidelines, 2015. Collection method: clinical testing. Allele origin: germline.
Comment: This USP9X variant is absent from a large population dataset and has not been reported in ClinVar. Three bioinformatic tools queried predict that this substitution would be damaging, and the arginine residue at this position is conserved across all vertebrate species assessed. This variant is not predicted to affect normal exon 37 splicing, although this has not been confirmed experimentally to our knowledge. We consider c.6254G>A to be likely pathogenic.

Literature cited by the submitters: PubMed 24607389 (cited by Johns Hopkins Genomics, Johns Hopkins University); PubMed 26833328 (cited by Johns Hopkins Genomics, Johns Hopkins University); PubMed 31443933 (cited by Johns Hopkins Genomics, Johns Hopkins University); PubMed 33298948 (cited by Johns Hopkins Genomics, Johns Hopkins University).

NM_001039591.3(USP9X):c.6254G>A (p.Arg2085His)

Gene: USP9X (ubiquitin specific peptidase 9 X-linked; plus strand). Cytogenetic location: Xp11.4.
Variant type: single nucleotide variant.
Coding change: c.6254G>A on transcript NM_001039591.3 (MANE Select); coding-DNA position 6254, G replaced by A.
Protein change: p.Arg2085His; replaces arginine 2085 with histidine.
Molecular consequence: missense variant.
Genome position (GRCh38, 1-based): chrX:41,218,416, G>A. VCF-style: chrX-41218416-G-A. GRCh37 (hg19) VCF-style: chrX-41077669-G-A.
Other names: c.6254G>A (NM_001039590.2); c.6254G>A, p.Arg2085His (NM_001039590.3); short protein forms R2085H.
Identifiers: ClinVar variation 1331725 (VCV001331725.2), dbSNP rs2147251154, ClinGen allele CA412799640.
Genomic context (GRCh38, chrX:41,218,416, plus strand): 5'-TTTTGTTTTATTTTAGGTATGATGCATTGTGTATTCTCCTTCGTCACAGCAAGAATGTAC[G>A]TTTTTGGTTTGCTCATAACGTCCTTTTTAATGTTTCAAATCGCTTCTCCGAATACCTTCT-3'
Protein context (NP_001034680.2, residues 2075-2095): CILLRHSKNV[Arg2085His]FWFAHNVLFN